The following is an entry in ClinVar:

ClinVar aggregate classification (germline): Likely benign (1 of 4 stars; one submission).

Allele frequency attached by ClinVar (database versions not stated): ExAC 0.00151; gnomAD 0.00179; TOPMed 0.00187; 1000 Genomes Project 0.00220; 1000 Genomes Project 30x 0.00234.
gnomAD v4.1: 4,274 of 1,551,726 alleles (0.28%); highest among the groups gnomAD compares: Non-Finnish European, 0.33%; 12 homozygotes.

Submission:

CeGaT Center for Human Genetics Tuebingen
Classification: Likely benign. Last evaluated: 2026-07-01. Review status: criteria provided, single submitter. Criteria: CeGaT Center For Human Genetics Tuebingen Variant Classification Criteria Version 2. Collection method: clinical testing. Allele origin: germline. Affected: yes. Observed: 6 variant alleles.
Comment: RTL1: BP4

NM_001134888.3(RTL1):c.784C>A (p.Pro262Thr)

Gene: RTL1 (retrotransposon Gag like 1; minus strand). Cytogenetic location: 14q32.2.
Variant type: single nucleotide variant.
Coding change: c.784C>A on transcript NM_001134888.3 (MANE Select); coding-DNA position 784, C replaced by A.
Protein change: p.Pro262Thr; replaces proline 262 with threonine.
Molecular consequence: missense variant.
Genome position (GRCh38, 1-based): chr14:100,884,005, G>T on the plus strand (C>A on the coding strand, the complement: RTL1 is on the minus strand). VCF-style: chr14-100884005-G-T. GRCh37 (hg19) VCF-style: chr14-101350342-G-T.
Other names: c.784C>A, p.Pro262Thr (NM_001425285.1); short protein forms P262T.
Identifiers: ClinVar variation 2644551 (VCV002644551.24), dbSNP rs181585821, ClinGen allele CA7347368.